The following is an entry in ClinVar:

NM_000383.4(AIRE):c.722G>T (p.Ser241Ile)

Gene: AIRE (autoimmune regulator; plus strand). Cytogenetic location: 21q22.3.
Variant type: single nucleotide variant.
Coding change: c.722G>T on transcript NM_000383.4 (MANE Select); coding-DNA position 722, G replaced by T.
Protein change: p.Ser241Ile; replaces serine 241 with isoleucine.
Molecular consequence: missense variant.
Genome position (GRCh38, 1-based): chr21:44,289,726, G>T. VCF-style: chr21-44289726-G-T. GRCh37 (hg19) VCF-style: chr21-45709609-G-T.
Other names: short protein forms S241I.
Identifiers: ClinVar variation 1945744 (VCV001945744.2), dbSNP rs1260665653, ClinGen allele CA410424447.

ClinVar aggregate classification (germline): Uncertain significance (1 of 4 stars; one submission).

Conditions:
Polyglandular autoimmune syndrome, type 1 (APS1). Also called: Autoimmune polyendocrinopathy syndrome, type I; APS I; AUTOIMMUNE POLYENDOCRINE SYNDROME, TYPE I, WITH OR WITHOUT REVERSIBLE METAPHYSEAL DYSPLASIA; Autoimmune polyendocrine syndrome type 1; HYPOADRENOCORTICISM WITH HYPOPARATHYROIDISM AND SUPERFICIAL MONILIASIS; Whitaker syndrome. Identifiers: Orphanet 3453, MedGen C0085859, MONDO:0009411, OMIM 240300.

Allele frequency attached by ClinVar (database versions not stated): gnomAD exomes below 0.00001.
gnomAD v4.1: 3 of 1,612,856 alleles (0.00019%); highest among the groups gnomAD compares: African/African-American, 0.004%; no homozygotes.

Submission:

Labcorp Genetics (formerly Invitae), Labcorp
Classification: Uncertain significance for Polyglandular autoimmune syndrome, type 1. Last evaluated: 2021-08-27. Review status: criteria provided, single submitter. Criteria: Invitae Variant Classification Sherloc (09022015). Collection method: clinical testing. Allele origin: germline.
Comment: This sequence change replaces serine with isoleucine at codon 241 of the AIRE protein (p.Ser241Ile). The serine residue is weakly conserved and there is a large physicochemical difference between serine and isoleucine. This variant is not present in population databases (ExAC no frequency). This variant has not been reported in the literature in individuals affected with AIRE-related conditions. Algorithms developed to predict the effect of missense changes on protein structure and function are either unavailable or do not agree on the potential impact of this missense change (SIFT: "Deleterious"; PolyPhen-2: "Benign"; Align-GVGD: "Class C25"). In summary, the available evidence is currently insufficient to determine the role of this variant in disease. Therefore, it has been classified as a Variant of Uncertain Significance.